The following is an entry in ClinVar:

ClinVar aggregate classification (germline): Uncertain significance (1 of 4 stars; one submission).

Allele frequency attached by ClinVar (database versions not stated): gnomAD 0.00001; 1000 Genomes Project 0.00020; 1000 Genomes Project 30x 0.00031.

Submission:

Labcorp Genetics (formerly Invitae), Labcorp
Classification: Uncertain significance. Last evaluated: 2022-08-06. Review status: criteria provided, single submitter. Criteria: Invitae Variant Classification Sherloc (09022015). Collection method: clinical testing. Allele origin: germline.
Comment: In summary, the available evidence is currently insufficient to determine the role of this variant in disease. Therefore, it has been classified as a Variant of Uncertain Significance. Algorithms developed to predict the effect of missense changes on protein structure and function (SIFT, PolyPhen-2, Align-GVGD) all suggest that this variant is likely to be tolerated. This variant has not been reported in the literature in individuals affected with PNPLA8-related conditions. This variant is not present in population databases (gnomAD no frequency). This sequence change replaces lysine, which is basic and polar, with glutamine, which is neutral and polar, at codon 58 of the PNPLA8 protein (p.Lys58Gln).

NM_001256007.3(PNPLA8):c.172A>C (p.Lys58Gln)

Gene: PNPLA8 (patatin like domain 8, phospholipase A2; minus strand). Cytogenetic location: 7q31.1.
Variant type: single nucleotide variant.
Coding change: c.172A>C on transcript NM_001256007.3 (MANE Select); coding-DNA position 172, A replaced by C.
Protein change: p.Lys58Gln; replaces lysine 58 with glutamine.
Molecular consequence: missense variant. On other transcripts: 5 prime UTR variant (2).
Genome position (GRCh38, 1-based): chr7:108,515,320, T>G on the plus strand (A>C on the coding strand, the complement: PNPLA8 is on the minus strand). VCF-style: chr7-108515320-T-G. GRCh37 (hg19) VCF-style: chr7-108155764-T-G.
Other names: c.172A>C, p.Lys58Gln (NM_001256008.3, NM_001256009.3, NM_015723.5); c.-129A>C (NM_001256010.3, NM_001256011.3); short protein forms K58Q.
Identifiers: ClinVar variation 1916668 (VCV001916668.5), dbSNP rs543336680, ClinGen allele CA164321076.